The following is an entry in ClinVar:

NM_004795.4(KL):c.2417T>G (p.Leu806Ter)

Gene: KL (klotho; plus strand). Cytogenetic location: 13q13.1.
Variant type: single nucleotide variant.
Coding change: c.2417T>G on transcript NM_004795.4 (MANE Select); coding-DNA position 2417, T replaced by G.
Protein change: p.Leu806Ter; replaces leucine 806 with a stop codon.
Molecular consequence: nonsense.
Genome position (GRCh38, 1-based): chr13:33,061,496, T>G. VCF-style: chr13-33061496-T-G. GRCh37 (hg19) VCF-style: chr13-33635633-T-G.
Other names: short protein forms L806*.
Identifiers: ClinVar variation 2413664 (VCV002413664.6), dbSNP rs532988781, ClinGen allele CA6944311.

ClinVar aggregate classification (germline): Uncertain significance (1 of 4 stars; one submission).

Allele frequency attached by ClinVar (database versions not stated): gnomAD exomes below 0.00001; 1000 Genomes Project 30x 0.00016; 1000 Genomes Project 0.00020.
gnomAD v4.1: 9 of 1,614,234 alleles (0.00056%); highest among the groups gnomAD compares: Admixed American, 0.013%; no homozygotes.

Submission:

Labcorp Genetics (formerly Invitae), Labcorp
Classification: Uncertain significance. Last evaluated: 2025-12-03. Review status: criteria provided, single submitter. Criteria: Invitae Variant Classification Sherloc (09022015). Collection method: clinical testing. Allele origin: germline.
Comment: This sequence change creates a premature translational stop signal (p.Leu806*) in the KL gene. It is expected to result in an absent or disrupted protein product. However, the current clinical and genetic evidence is not sufficient to establish whether loss-of-function variants in KL cause disease. This variant is present in population databases (rs532988781, gnomAD 0.003%). This variant has not been reported in the literature in individuals affected with KL-related conditions. ClinVar contains an entry for this variant (Variation ID: 2413664). In summary, the available evidence is currently insufficient to determine the role of this variant in disease. Therefore, it has been classified as a Variant of Uncertain Significance.